The following is an entry in ClinVar:

NM_006031.6(PCNT):c.3113_3143del (p.Val1038fs)

Gene: PCNT (pericentrin; plus strand). Cytogenetic location: 21q22.3.
Variant type: Deletion.
Coding change: c.3113_3143del on transcript NM_006031.6 (MANE Select); coding-DNA positions 3113 to 3143, 31 bases deleted.
Protein change: p.Val1038fs; shifts the reading frame from valine 1038.
Molecular consequence: frameshift variant.
Genome position (GRCh38, 1-based): chr21:46,367,087-46,367,117, 31 bases deleted. GRCh37 (hg19): chr21:47,787,002-47,787,032.
Other names: c.2759_2789del, p.Val920fs (NM_001315529.2); short protein forms V1038fs, V920fs.
Identifiers: ClinVar variation 2978520 (VCV002978520.3), dbSNP rs2518264355, ClinGen allele CA2740094749.

ClinVar aggregate classification (germline): Pathogenic (1 of 4 stars; one submission).

Submission:

Labcorp Genetics (formerly Invitae), Labcorp
Classification: Pathogenic. Last evaluated: 2025-11-24. Review status: criteria provided, single submitter. Criteria: Invitae Variant Classification Sherloc (09022015). Collection method: clinical testing. Allele origin: germline.
Comment: This sequence change creates a premature translational stop signal (p.Val1038Alafs*58) in the PCNT gene. It is expected to result in an absent or disrupted protein product. Loss-of-function variants in PCNT are known to be pathogenic (PMID: 18174396, 22821869). This variant is not present in population databases (gnomAD no frequency). This variant has not been reported in the literature in individuals affected with PCNT-related conditions. ClinVar contains an entry for this variant (Variation ID: 2978520). For these reasons, this variant has been classified as Pathogenic.

Literature cited by the submitters: PubMed 18174396; PubMed 22821869.